The following is an entry in ClinVar:

ClinVar aggregate classification (germline): Uncertain significance (0 of 4 stars; one submission).

Conditions:
ZBTB20-related disorder. Also called: ZBTB20-related condition.

Submission:

PreventionGenetics, part of Exact Sciences
Classification: Uncertain significance for ZBTB20-related condition. Last evaluated: 2024-05-02. Review status: no assertion criteria provided. Collection method: clinical testing. Allele origin: germline.
Comment: The ZBTB20 c.1492C>A variant is predicted to result in the amino acid substitution p.Gln498Lys. To our knowledge, this variant has not been reported in the literature or in a large population database, indicating this variant is rare. At this time, the clinical significance of this variant is uncertain due to the absence of conclusive functional and genetic evidence.

NM_001348800.3(ZBTB20):c.1492C>A (p.Gln498Lys)

Gene: ZBTB20 (zinc finger and BTB domain containing 20; minus strand). Cytogenetic location: 3q13.31.
Variant type: single nucleotide variant.
Coding change: c.1492C>A on transcript NM_001348800.3 (MANE Select); coding-DNA position 1492, C replaced by A.
Protein change: p.Gln498Lys; replaces glutamine 498 with lysine.
Molecular consequence: missense variant.
Genome position (GRCh38, 1-based): chr3:114,350,586, G>T on the plus strand (C>A on the coding strand, the complement: ZBTB20 is on the minus strand). VCF-style: chr3-114350586-G-T. GRCh37 (hg19) VCF-style: chr3-114069433-G-T.
Other names: c.1492C>A, p.Gln498Lys (NM_001164342.2, NM_001348803.3, NM_001393393.1 and 1 more transcripts); c.1273C>A, p.Gln425Lys (NM_001164343.2, NM_001164344.4, NM_001164345.4 and 9 more transcripts); short protein forms Q425K, Q498K.
Identifiers: ClinVar variation 3344946 (VCV003344946.1).